The following is an entry in ClinVar:

ClinVar aggregate classification (germline): Uncertain significance (1 of 4 stars; one submission).

Allele frequency attached by ClinVar (database versions not stated): gnomAD exomes below 0.00001 and 0.00001; TOPMed below 0.00001; gnomAD 0.00001.
gnomAD v4.1: 6 of 1,613,054 alleles (0.00037%); highest among the groups gnomAD compares: Admixed American, 0.0033%; no homozygotes.

Submission:

Labcorp Genetics (formerly Invitae), Labcorp
Classification: Uncertain significance. Last evaluated: 2018-09-24. Review status: criteria provided, single submitter. Criteria: Invitae Variant Classification Sherloc (09022015). Collection method: clinical testing. Allele origin: germline.
Comment: This sequence change replaces proline with leucine at codon 573 of the A2ML1 protein (p.Pro573Leu). The proline residue is highly conserved and there is a moderate physicochemical difference between proline and leucine. This variant is not present in population databases (ExAC no frequency). This variant has not been reported in the literature in individuals with A2ML1-related disease. Algorithms developed to predict the effect of missense changes on protein structure and function (SIFT, PolyPhen-2, Align-GVGD) all suggest that this variant is likely to be disruptive, but these predictions have not been confirmed by published functional studies and their clinical significance is uncertain. In summary, the available evidence is currently insufficient to determine the role of this variant in disease. Therefore, it has been classified as a Variant of Uncertain Significance.

NM_144670.6(A2ML1):c.1718C>T (p.Pro573Leu)

Gene: A2ML1 (alpha-2-macroglobulin like 1; plus strand). Cytogenetic location: 12p13.31.
Variant type: single nucleotide variant.
Coding change: c.1718C>T on transcript NM_144670.6 (MANE Select); coding-DNA position 1718, C replaced by T.
Protein change: p.Pro573Leu; replaces proline 573 with leucine.
Molecular consequence: missense variant.
Genome position (GRCh38, 1-based): chr12:8,847,583, C>T. VCF-style: chr12-8847583-C-T. GRCh37 (hg19) VCF-style: chr12-9000179-C-T.
Other names: c.245C>T, p.Pro82Leu (NM_001282424.3); short protein forms P82L, P573L.
Identifiers: ClinVar variation 654946 (VCV000654946.8), dbSNP rs1432449630, ClinGen allele CA383828495.
Genomic context (GRCh38, chr12:8,847,583, plus strand): 5'-CCAAGTTATACCTTTCCCTTCCCCAGGTTTCCCTTGGCTTCTCCCCCTCCCAGCAGCTTC[C>T]AGGAGCAGAAGTGGAGCTGCAGCTGCAGGCAGCTCCCGGATCCCTGTGTGCGCTCCGGGC-3'
Protein context (NP_653271.3, residues 563-583): SLGFSPSQQL[Pro573Leu]GAEVELQLQA